The following is an entry in ClinVar:

ClinVar aggregate classification (germline): Likely benign (1 of 4 stars; one submission).

gnomAD v4.1: 7 of 1,613,588 alleles (0.00043%); highest among the groups gnomAD compares: Non-Finnish European, 0.00042%; no homozygotes.

Submission:

CeGaT Center for Human Genetics Tuebingen
Classification: Likely benign. Last evaluated: 2025-02-01. Review status: criteria provided, single submitter. Criteria: CeGaT Center For Human Genetics Tuebingen Variant Classification Criteria Version 2. Collection method: clinical testing. Allele origin: germline. Affected: yes. Observed: 1 variant allele.
Comment: SLC45A1: BP4, BP7

NM_001080397.3(SLC45A1):c.822G>A (p.Ala274=)

Gene: SLC45A1 (solute carrier family 45 member 1; plus strand). Cytogenetic location: 1p36.23.
Variant type: single nucleotide variant.
Coding change: c.822G>A on transcript NM_001080397.3 (MANE Select); coding-DNA position 822, G replaced by A.
Protein change: p.Ala274=; no amino-acid change (alanine 274 retained).
Molecular consequence: synonymous variant.
Genome position (GRCh38, 1-based): chr1:8,330,315, G>A. VCF-style: chr1-8330315-G-A. GRCh37 (hg19) VCF-style: chr1-8390375-G-A.
Other names: c.822G>A, p.Ala274= (NM_001379614.1); c.729G>A, p.Ala243= (NM_001379615.1, NM_001379616.1); c.216G>A, p.Ala72= (NM_001379617.1, NM_001379618.1).
Identifiers: ClinVar variation 3771844 (VCV003771844.13).